The following is an entry in ClinVar:

ClinVar aggregate classification (germline): Uncertain significance (1 of 4 stars; one submission).

Submission:

GeneDx
Classification: Uncertain significance. Last evaluated: 2023-07-24. Review status: criteria provided, single submitter. Criteria: GeneDx Variant Classification Process June 2021. Collection method: clinical testing. Allele origin: germline. Affected: yes.
Comment: Not observed at significant frequency in large population cohorts (gnomAD); In silico analysis supports that this missense variant does not alter protein structure/function; Has not been previously published as pathogenic or benign to our knowledge; Variants in candidate genes are classified as variants of uncertain significance in accordance with ACMG guidelines (Richards et al., 2015)

NM_182699.4(DDX53):c.1523G>A (p.Arg508Gln)

Genes: DDX53 (DEAD-box helicase 53; plus strand), PTCHD1-AS (PTCHD1 antisense RNA (head to head); minus strand). Cytogenetic location: Xp22.11.
Variant type: single nucleotide variant.
Coding change: c.1523G>A on transcript NM_182699.4 (MANE Select); coding-DNA position 1523, G replaced by A.
Protein change: p.Arg508Gln; replaces arginine 508 with glutamine.
Molecular consequence: missense variant.
Genome position (GRCh38, 1-based): chrX:23,001,580, G>A. VCF-style: chrX-23001580-G-A. GRCh37 (hg19) VCF-style: chrX-23019697-G-A.
Other names: short protein forms R508Q.
Identifiers: ClinVar variation 3573561 (VCV003573561.1).